The following is an entry in ClinVar:

NM_000260.4(MYO7A):c.2120G>C (p.Arg707Pro)

Gene: MYO7A (myosin VIIA; plus strand). Cytogenetic location: 11q13.5.
Variant type: single nucleotide variant.
Coding change: c.2120G>C on transcript NM_000260.4 (MANE Select); coding-DNA position 2120, G replaced by C.
Protein change: p.Arg707Pro; replaces arginine 707 with proline.
Molecular consequence: missense variant.
Genome position (GRCh38, 1-based): chr11:77,175,397, G>C. VCF-style: chr11-77175397-G-C. GRCh37 (hg19) VCF-style: chr11-76886443-G-C.
Other names: c.2120G>C, p.Arg707Pro (NM_001127180.2); c.2087G>C, p.Arg696Pro (NM_001369365.1); short protein forms R696P, R707P.
Identifiers: ClinVar variation 869460 (VCV000869460.2), dbSNP rs782176754, ClinGen allele CA6197716.

ClinVar aggregate classification (germline): Uncertain significance (1 of 4 stars; one submission).

Conditions:
Autosomal recessive nonsyndromic hearing loss 2. Also called: NEUROSENSORY NONSYNDROMIC RECESSIVE DEAFNESS 2; DEAFNESS, AUTOSOMAL RECESSIVE 2. Identifiers: Orphanet 90636, MedGen C1838701, MONDO:0010807, OMIM 600060.

Allele frequency attached by ClinVar (database versions not stated): TOPMed 0.00001.

Submission:

Victorian Clinical Genetics Services, Murdoch Childrens Research Institute
Classification: Uncertain significance for Autosomal recessive nonsyndromic hearing loss 2. Last evaluated: 2018-06-26. Review status: criteria provided, single submitter. Criteria: ACMG Guidelines, 2015. Collection method: clinical testing. Allele origin: unknown. Affected: yes.
Comment: A heterozygous missense variant, NM_000260.3(MYO7A):c.2120G>C, has been identified in exon 18 of 49 of the MYO7A gene. The variant is predicted to result in a major amino acid change from arginine to proline at position 707 of the protein (NP_000251.3(MYO7A):p.(Arg707Pro)). The arginine residue at this position has moderate conservation (100 vertebrates, UCSC), and is located within the Myosin head (motor) functional domain. In silico predictions of pathogenicity for this variant are conflicting (Polyphen, SIFT, CADD, Mutation Taster). The variant is present in the gnomAD database at a frequency of 0.0004% (1 heterozygote, 0 homozygotes). The variant has previously been described as a Variant of Unknown Siginificance (VUS; Deafness Variation Database). A different variant in the same codon resulting in a change to cysteine has also been reported as a VUS and a change to histidine has been reported as Likely Benign (Deafness Variation Database). Based on the information available at the time of curation, this variant has been classified as a VARIANT of UNCERTAIN SIGNIFICANCE (VUS).